The following is an entry in ClinVar:

ClinVar aggregate classification (germline): Benign. Review status: criteria provided, multiple submitters, no conflicts (2 of 4 stars). 4 submissions from 2 submitters: Benign (4). Last evaluated 2021-05-11.

Conditions:
Thrombophilia due to thrombin defect (THPH1). Also called: Thrombosis susceptibility; THROMBOPHILIA DUE TO FACTOR 2 DEFECT; Prothrombin-Related Thrombophilia (Factor II); Prothrombin Thrombophilia. Identifiers: MedGen C3160733, MONDO:0008559, OMIM 188050. Disease mechanism: gain of function, loss of function.
Budd-Chiari syndrome (BDCHS). Also called: Hepatic vein obstruction. Identifiers: Orphanet 131, MedGen C0856761, MONDO:0010947, OMIM 600880, HP:0002639.
Factor V deficiency. Also called: Reduced coagulation factor V activity. Identifiers: Orphanet 326, MedGen C4317320, MONDO:0020586, HP:0003225.

Allele frequency attached by ClinVar (database versions not stated): gnomAD 0.25334 and 0.25664; TOPMed 0.26690; 1000 Genomes Project 30x 0.27342; 1000 Genomes Project 0.27556.
gnomAD v4.1: 38,958 of 151,944 alleles (26%); highest among the groups gnomAD compares: Admixed American, 35%; 5,117 homozygotes.

Submissions (4):

GeneDx
Classification: Benign. Last evaluated: 2021-05-11. Review status: criteria provided, single submitter. Criteria: GeneDx Variant Classification Process June 2021. Collection method: clinical testing. Allele origin: germline. Affected: yes.

Illumina Laboratory Services, Illumina
Classification: Benign for Venous thrombosis. Last evaluated: 2018-01-13. Review status: criteria provided, single submitter. Criteria: ICSL Variant Classification Criteria 13 December 2019. Collection method: clinical testing. Allele origin: germline.
Comment: This variant was observed in the ICSL laboratory as part of a predisposition screen in an ostensibly healthy population. It had not been previously curated by ICSL or reported in the Human Gene Mutation Database (HGMD: prior to June 1st, 2018), and was therefore a candidate for classification through an automated scoring system. Utilizing variant allele frequency, disease prevalence and penetrance estimates, and inheritance mode, an automated score was calculated to assess if this variant is too frequent to cause the disease. Based on the score and internal cut-off values, a variant classified as benign is not then subjected to further curation. The score for this variant resulted in a classification of benign for this disease.

Illumina Laboratory Services, Illumina
Classification: Benign for Budd-Chiari syndrome. Last evaluated: 2018-01-13. Review status: criteria provided, single submitter. Criteria: ICSL Variant Classification Criteria 13 December 2019. Collection method: clinical testing. Allele origin: germline.
Comment: the same text as in the submission from Illumina Laboratory Services, Illumina above.

Illumina Laboratory Services, Illumina
Classification: Benign for Congenital factor V deficiency. Last evaluated: 2018-01-13. Review status: criteria provided, single submitter. Criteria: ICSL Variant Classification Criteria 13 December 2019. Collection method: clinical testing. Allele origin: germline.
Comment: the same text as in the submission from Illumina Laboratory Services, Illumina above.

NM_000130.5(F5):c.*1601C>T

Gene: F5 (coagulation factor V; minus strand). Cytogenetic location: 1q24.2.
Variant type: single nucleotide variant.
Coding change: c.*1601C>T on transcript NM_000130.5 (MANE Select); 1601 bases downstream of the stop codon, C replaced by T.
Molecular consequence: 3 prime UTR variant.
Genome position (GRCh38, 1-based): chr1:169,512,712, G>A on the plus strand (C>T on the coding strand, the complement: F5 is on the minus strand). VCF-style: chr1-169512712-G-A. GRCh37 (hg19) VCF-style: chr1-169481950-G-A.
Identifiers: ClinVar variation 293546 (VCV000293546.8), dbSNP rs2187952, ClinGen allele CA10608135.